The following is an entry in ClinVar:

ClinVar aggregate classification (germline): Likely benign (1 of 4 stars; one submission).

gnomAD v4.1: 36 of 1,177,970 alleles (0.0031%); highest among the groups gnomAD compares: Admixed American, 0.086%; no homozygotes.

Submission:

Women's Health and Genetics/Laboratory Corporation of America, LabCorp
Classification: Likely benign. Last evaluated: 2024-09-25. Review status: criteria provided, single submitter. Criteria: LabCorp Variant Classification Summary - May 2015. Collection method: clinical testing. Allele origin: germline.
Comment: Variant summary: KLHL15 c.*7C>T is located in the untranslated mRNA region downstream of the termination codon. The variant allele was found at a frequency of 0.00012 in 180990 control chromosomes, predominantly at a frequency of ~0.001 within the Latino subpopulation in the gnomAD database, including 5 hemizygotes. To our knowledge, no occurrence of c.*7C>T in individuals affected with Intellectual Disability, X-Linked 103 and no experimental evidence demonstrating its impact on protein function have been reported. No submitters have cited clinical-significance assessments for this variant to ClinVar. Based on the evidence outlined above, the variant was classified as likely benign.

NM_030624.3(KLHL15):c.*7C>T

Gene: KLHL15 (kelch like family member 15; minus strand). Cytogenetic location: Xp22.11.
Variant type: single nucleotide variant.
Coding change: c.*7C>T on transcript NM_030624.3 (MANE Select); 7 bases downstream of the stop codon, C replaced by T.
Molecular consequence: 3 prime UTR variant.
Genome position (GRCh38, 1-based): chrX:23,987,914, G>A on the plus strand (C>T on the coding strand, the complement: KLHL15 is on the minus strand). VCF-style: chrX-23987914-G-A. GRCh37 (hg19) VCF-style: chrX-24006031-G-A.
Identifiers: ClinVar variation 3375203 (VCV003375203.1).
Genomic context (GRCh38, chrX:23,987,914, plus strand): 5'-GTTTTAATTAATTACTCTGTGCAAACAAATACTTTGTTTGCCTCTTTTTTTAGGGAGGAG[G>A]ATGTCATTAGTTGCAACGCCTGACCTCATCCAGTACATAGTCCGGAAAATGCAGGTTGCA-3'